The following is an entry in ClinVar:

ClinVar aggregate classification (germline): Benign/Likely benign. Review status: criteria provided, multiple submitters, no conflicts (2 of 4 stars). 4 submissions from 4 submitters: Benign (2); Likely benign (2). Last evaluated 2026-09-01.

Allele frequency attached by ClinVar (database versions not stated): 1000 Genomes Project 0.00060; ESP Exome Variant Server 0.00108; 1000 Genomes Project 30x 0.00125; gnomAD exomes 0.00257 and 0.00325; gnomAD 0.00283 and 0.00293; TOPMed 0.00302; ExAC 0.00335.
gnomAD v4.1: 5,021 of 1,561,788 alleles (0.32%); highest among the groups gnomAD compares: Middle Eastern, 0.5%; 19 homozygotes.

Submissions (4):

CeGaT Center for Human Genetics Tuebingen
Classification: Likely benign. Last evaluated: 2026-09-01. Review status: criteria provided, single submitter. Criteria: CeGaT Center For Human Genetics Tuebingen Variant Classification Criteria Version 2. Collection method: clinical testing. Allele origin: germline. Affected: yes. Observed: 2 variant alleles.
Comment: POLRMT: BP4, BP7, BS2

Blueprint Genetics
Classification: Likely benign. Last evaluated: 2024-11-26. Review status: criteria provided, single submitter. Criteria: ACMG Guidelines, 2015. Collection method: clinical testing. Allele origin: germline.

Labcorp Genetics (formerly Invitae), Labcorp
Classification: Benign. Last evaluated: 2017-09-01. Review status: criteria provided, single submitter. Criteria: Invitae Variant Classification Sherloc (09022015). Collection method: clinical testing. Allele origin: germline.

Breakthrough Genomics
Classification: Benign. Review status: criteria provided, single submitter. Criteria: ACMG Guidelines, 2015. Collection method: not provided. Allele origin: germline. Inheritance: Autosomal recessive inheritance. Affected: yes.

NM_005035.4(POLRMT):c.1674G>C (p.Ala558=)

Gene: POLRMT (RNA polymerase mitochondrial; minus strand). Cytogenetic location: 19p13.3.
Variant type: single nucleotide variant.
Coding change: c.1674G>C on transcript NM_005035.4 (MANE Select); coding-DNA position 1674, G replaced by C.
Protein change: p.Ala558=; no amino-acid change (alanine 558 retained).
Molecular consequence: synonymous variant.
Genome position (GRCh38, 1-based): chr19:622,326, C>G on the plus strand (G>C on the coding strand, the complement: POLRMT is on the minus strand). VCF-style: chr19-622326-C-G. GRCh37 (hg19) VCF-style: chr19-622326-C-G.
Identifiers: ClinVar variation 788335 (VCV000788335.29), dbSNP rs61746452, ClinGen allele CA9020184.